The following is an entry in ClinVar:

NM_000051.4(ATM):c.2113_2116del (p.Tyr705fs)

Gene: ATM (ATM serine/threonine kinase; plus strand). Cytogenetic location: 11q22.3.
Variant type: Deletion.
Coding change: c.2113_2116del on transcript NM_000051.4 (MANE Select); coding-DNA positions 2113 to 2116, 4 bases deleted (TACT; older notation c.2113_2116delTACT).
Protein change: p.Tyr705fs; shifts the reading frame from tyrosine 705.
Molecular consequence: frameshift variant.
Genome position (GRCh38, 1-based): chr11:108,254,028-108,254,031, TACT deleted; deleting any 4 consecutive bases within chr11:108,254,027-108,254,031 gives the same sequence; the c. name uses the placement nearest the transcript's 3' end. VCF-style (leftmost placement, unchanged base first): chr11-108254026-ATTAC-A. GRCh37 (hg19) VCF-style: chr11-108124753-ATTAC-A.
Other names: c.2113_2116del, p.Tyr705fs (NM_001351834.2); short protein forms Y705fs.
Identifiers: ClinVar variation 1444120 (VCV001444120.6), dbSNP rs2135371753, ClinGen allele CA2573146783.
Genomic context (GRCh38, chr11:108,254,026, plus strand): 5'-AGAATCTCAAGGAATCACTGGATCGCTGTCTTCTGGGATTATCAGAACAGCTTCTGAATA[ATTAC>A]TCATCTGAGGTGAGATTTTTTAAAAAAAGAACTAAGCTTATATATGATTCAACTTTGGTA-3'

ClinVar aggregate classification (germline): Pathogenic (1 of 4 stars; one submission).

Conditions:
Ataxia-telangiectasia syndrome (AT). Also called: Ataxia-telangiectasia; LOUIS-BAR SYNDROME; AT, COMPLEMENTATION GROUP C; Ataxia-telangiectasia, complementation group E; Ataxia telangiectasia (A-T); Cerebello-oculocutaneous telangiectasia. Identifiers: Orphanet 100, MedGen C0004135, MONDO:0008840, OMIM 208900.

Submission:

Labcorp Genetics (formerly Invitae), Labcorp
Classification: Pathogenic for Ataxia-telangiectasia syndrome. Last evaluated: 2021-11-01. Review status: criteria provided, single submitter. Criteria: Invitae Variant Classification Sherloc (09022015). Collection method: clinical testing. Allele origin: germline.
Comment: For these reasons, this variant has been classified as Pathogenic. This variant has not been reported in the literature in individuals affected with ATM-related conditions. This variant is not present in population databases (gnomAD no frequency). This sequence change creates a premature translational stop signal (p.Tyr705Hisfs*29) in the ATM gene. It is expected to result in an absent or disrupted protein product. Loss-of-function variants in ATM are known to be pathogenic (PMID: 23807571, 25614872).

Literature cited by the submitters: PubMed 23807571; PubMed 25614872.